The following is an entry in ClinVar:

NM_000090.4(COL3A1):c.2785C>T (p.Pro929Ser)

Gene: COL3A1 (collagen type III alpha 1 chain; plus strand). Cytogenetic location: 2q32.2.
Variant type: single nucleotide variant.
Coding change: c.2785C>T on transcript NM_000090.4 (MANE Select); coding-DNA position 2785, C replaced by T.
Protein change: p.Pro929Ser; replaces proline 929 with serine.
Molecular consequence: missense variant.
Genome position (GRCh38, 1-based): chr2:189,004,105, C>T. VCF-style: chr2-189004105-C-T. GRCh37 (hg19) VCF-style: chr2-189868831-C-T.
Other names: short protein forms P929S.
Identifiers: ClinVar variation 4885342 (VCV004885342.2).

ClinVar aggregate classification (germline): Uncertain significance (1 of 4 stars; one submission).

Submission:

Dasa
Classification: Uncertain significance. Last evaluated: 2025-10-30. Review status: criteria provided, single submitter. Criteria: DASA Assertion Criteria. Collection method: clinical testing. Allele origin: germline.
Comment: NM_000090.4(COL3A1):c.2785C>T (p.Pro929Ser) is a missense variant that results in the substitution of proline with serine. This variant is absent from population databases. The currently available literature and clinical evidence are not sufficient to establish a definitive association between this variant and the reported condition. Therefore, this variant is classified as a variant of uncertain significance.